The following is an entry in ClinVar:

NM_000518.4(HBB):c.395A>C (p.Gln132Pro)

Genes: HBB (hemoglobin subunit beta; minus strand), LOC107133510 (origin of replication at HBB; plus strand), LOC110006319 (beta-globin gene 3' regulatory region; plus strand). Cytogenetic location: 11p15.4.
Variant type: single nucleotide variant.
Coding change: c.395A>C on transcript NM_000518.4; coding-DNA position 395, A replaced by C.
Protein change: p.Gln132Pro; replaces glutamine 132 with proline.
Molecular consequence: missense variant (on NM_000518.5).
Genome position (GRCh38, 1-based): chr11:5,225,647, T>G on the plus strand (A>C on the coding strand, the complement: HBB is on the minus strand). VCF-style: chr11-5225647-T-G. GRCh37 (hg19) VCF-style: chr11-5246877-T-G.
Other names: Q131P; c.395A>C, p.Gln132Pro (NM_000518.5); short protein forms Q132P.
Identifiers: ClinVar variation 15348 (VCV000015348.3), dbSNP rs33950778, ClinGen allele CA125158.

ClinVar aggregate classification (germline): Likely pathogenic. Review status: criteria provided, single submitter (1 of 4 stars). 2 submissions from 2 submitters: Likely pathogenic (1). 1 of the submissions does not count toward it. Last evaluated 2025-01-07.

Conditions:
HEMOGLOBIN SHANGHAI.

Submissions (2):

Quest Diagnostics Nichols Institute San Juan Capistrano
Classification: Likely pathogenic. Last evaluated: 2025-01-07. Review status: criteria provided, single submitter. Criteria: Quest Diagnostics criteria. Collection method: clinical testing. Allele origin: unknown.
Comment: The HBB c.395A>C (p.Gln132Pro) variant (also known as Hb Shanghai or codon 131 Gln>Pro) has been reported in the published literature in a Chinese family affected with chronic hemolytic anemia and the variant was described as being unstable (PMID: 3676109 (1987)). This variant has not been reported in large, multi-ethnic general populations (Genome Aggregation Database). Based on the available information, this variant is classified as likely pathogenic.

OMIM
Classification: other for HEMOGLOBIN SHANGHAI. Last evaluated: 2017-12-12. Review status: no assertion criteria provided. Collection method: literature only. Allele origin: germline. Not counted in ClinVar's aggregate classification.

Literature cited by the submitters: PubMed 3676109 (cited by Quest Diagnostics Nichols Institute San Juan Capistrano and OMIM).